The following is an entry in ClinVar:

ClinVar aggregate classification (germline): Uncertain significance (1 of 4 stars; one submission).

Submission:

Women's Health and Genetics/Laboratory Corporation of America, LabCorp
Classification: Uncertain significance. Last evaluated: 2025-12-09. Review status: criteria provided, single submitter. Criteria: LabCorp Variant Classification Summary - May 2015. Collection method: clinical testing. Allele origin: germline.
Comment: Variant summary: FBN1 c.4856G>C (p.Gly1619Ala) results in a non-conservative amino acid change in the encoded protein sequence. Algorithms developed to predict the effect of missense changes on protein structure and function all suggest that this variant is likely to be disruptive. The variant was absent in 251346 control chromosomes. The available data on variant occurrences in the general population are insufficient to allow any conclusion about variant significance. To our knowledge, no occurrence of c.4856G>C in individuals affected with FBN1-related conditions and no experimental evidence demonstrating its impact on protein function have been reported. No submitters have cited clinical-significance assessments for this variant to ClinVar. Based on the evidence outlined above, the variant was classified as uncertain significance.

NM_000138.5(FBN1):c.4856G>C (p.Gly1619Ala)

Gene: FBN1 (fibrillin 1; minus strand). Cytogenetic location: 15q21.1.
Variant type: single nucleotide variant.
Coding change: c.4856G>C on transcript NM_000138.5 (MANE Select); coding-DNA position 4856, G replaced by C.
Protein change: p.Gly1619Ala; replaces glycine 1619 with alanine.
Molecular consequence: missense variant.
Genome position (GRCh38, 1-based): chr15:48,465,654, C>G on the plus strand (G>C on the coding strand, the complement: FBN1 is on the minus strand). VCF-style: chr15-48465654-C-G. GRCh37 (hg19) VCF-style: chr15-48757851-C-G.
Other names: c.4856G>C, p.Gly1619Ala (NM_001406716.1); short protein forms G1619A.
Identifiers: ClinVar variation 4688488 (VCV004688488.1).
Genomic context (GRCh38, chr15:48,465,654, plus strand): 5'-AGGTAGTAGCCGGTTGGACAGCGGCACTGGAAACTCCCAAAGGTGTTGATACATTTTCCT[C>G]CTTGGCACAGCCCTGGTAGCTCCTGGCACTCATCAATATCTATCAAAATCAAAACAAAGG-3'
Protein context (NP_000129.3, residues 1609-1629): ECQELPGLCQ[Gly1619Ala]GKCINTFGSF